The following is an entry in ClinVar:

NM_000481.4(AMT):c.298A>G (p.Ser100Gly)

Gene: AMT (aminomethyltransferase; minus strand). Cytogenetic location: 3p21.31.
Variant type: single nucleotide variant.
Coding change: c.298A>G on transcript NM_000481.4 (MANE Select); coding-DNA position 298, A replaced by G.
Protein change: p.Ser100Gly; replaces serine 100 with glycine.
Molecular consequence: missense variant. On other transcripts: non-coding transcript variant (1).
Genome position (GRCh38, 1-based): chr3:49,421,533, T>C on the plus strand (A>G on the coding strand, the complement: AMT is on the minus strand). VCF-style: chr3-49421533-T-C. GRCh37 (hg19) VCF-style: chr3-49458966-T-C.
Other names: c.298A>G, p.Ser100Gly (NM_001164710.2, NM_001164712.2); c.130A>G, p.Ser44Gly (NM_001164711.2); short protein forms S100G, S44G.
Identifiers: ClinVar variation 967887 (VCV000967887.13), dbSNP rs994868932, ClinGen allele CA74515994.
Genomic context (GRCh38, chr3:49,421,533, plus strand): 5'-CAGAAATAAAAGGGCCCACCTGGTTTGGTCTTAGCTCTGCAATGTCTCCAACCACTAGAC[T>C]CTCCATCAGCTTCACCCGGTCACTACCAAGTATCTTGGTCTGGGGAAGAGATTGAAAGCC-3'
Protein context (NP_000472.2, residues 90-110): LGSDRVKLME[Ser100Gly]LVVGDIAELR

ClinVar aggregate classification (germline): Uncertain significance. Review status: criteria provided, multiple submitters, no conflicts (2 of 4 stars). 4 submissions from 4 submitters: Uncertain significance (3). 1 of the submissions does not count toward it. Last evaluated 2021-10-15.

Conditions:
Glycine encephalopathy. Also called: Nonketotic hyperglycinemia; Non-ketotic hyperglycinemia. Identifiers: Orphanet 407, MedGen C0751748, MONDO:0011612, HP:0008288.

Allele frequency attached by ClinVar (database versions not stated): gnomAD exomes below 0.00001 and 0.00001; gnomAD 0.00001; TOPMed 0.00001.
gnomAD v4.1: 5 of 1,614,028 alleles (0.00031%); highest among the groups gnomAD compares: Non-Finnish European, 0.00042%; no homozygotes.

Submissions (4):

Labcorp Genetics (formerly Invitae), Labcorp
Classification: Uncertain significance for Glycine encephalopathy. Last evaluated: 2021-10-15. Review status: criteria provided, single submitter. Criteria: Invitae Variant Classification Sherloc (09022015). Collection method: clinical testing. Allele origin: germline.
Comment: This sequence change replaces serine with glycine at codon 100 of the AMT protein (p.Ser100Gly). The serine residue is moderately conserved and there is a small physicochemical difference between serine and glycine. This variant is not present in population databases (ExAC no frequency). This variant has not been reported in the literature in individuals affected with AMT-related conditions. Algorithms developed to predict the effect of missense changes on protein structure and function are either unavailable or do not agree on the potential impact of this missense change (SIFT: "Tolerated"; PolyPhen-2: "Possibly Damaging"; Align-GVGD: "Class C0"). In summary, the available evidence is currently insufficient to determine the role of this variant in disease. Therefore, it has been classified as a Variant of Uncertain Significance.

ARUP Laboratories, Molecular Genetics and Genomics, ARUP Laboratories
Classification: Uncertain significance for Glycine encephalopathy 1. Last evaluated: 2021-03-13. Review status: criteria provided, single submitter. Criteria: ARUP Molecular Germline Variant Investigation Process 2021. Collection method: clinical testing. Allele origin: germline.

Blueprint Genetics
Classification: Uncertain significance. Last evaluated: 2020-08-21. Review status: criteria provided, single submitter. Criteria: ACMG Guidelines, 2015. Collection method: clinical testing. Allele origin: germline.

Natera, Inc.
Classification: Uncertain significance for Non-ketotic hyperglycinemia. Last evaluated: 2020-11-03. Review status: no assertion criteria provided. Collection method: clinical testing. Allele origin: germline. Not counted in ClinVar's aggregate classification.